The following is an entry in ClinVar:

NM_024675.4(PALB2):c.2190C>T (p.Ile730=)

Gene: PALB2 (partner and localizer of BRCA2; minus strand). Cytogenetic location: 16p12.2.
Variant type: single nucleotide variant.
Coding change: c.2190C>T on transcript NM_024675.4 (MANE Select); coding-DNA position 2190, C replaced by T.
Protein change: p.Ile730=; no amino-acid change (isoleucine 730 retained).
Molecular consequence: synonymous variant. On other transcripts: intron variant (1).
Genome position (GRCh38, 1-based): chr16:23,629,964, G>A on the plus strand (C>T on the coding strand, the complement: PALB2 is on the minus strand). VCF-style: chr16-23629964-G-A. GRCh37 (hg19) VCF-style: chr16-23641285-G-A.
Other names: c.2130C>T, p.Ile710= (NM_001407296.1); c.2190C>T, p.Ile730= (NM_001407297.1, NM_001407298.1, NM_001407299.1 and 3 more transcripts); c.1305C>T, p.Ile435= (NM_001407304.1, NM_001407305.1, NM_001407306.1 and 5 more transcripts); c.402C>T, p.Ile134= (NM_001407312.1, NM_001407313.1); c.49-689C>T (NM_001407314.1).
Identifiers: ClinVar variation 3667678 (VCV003667678.4).

ClinVar aggregate classification (germline): Benign/Likely benign. Review status: criteria provided, multiple submitters, no conflicts (2 of 4 stars). 3 submissions from 3 submitters: Benign (1); Likely benign (2). Last evaluated 2025-01-15.

Conditions:
Hereditary cancer-predisposing syndrome. Also called: Hereditary Cancer Syndrome; Hereditary neoplastic syndrome; Neoplastic Syndromes, Hereditary; Tumor predisposition. Identifiers: Orphanet 140162, MedGen C0027672, MeSH D009386, MONDO:0015356.
Familial cancer of breast. Also called: hereditary breast carcinoma; Hereditary breast cancer; BREAST CANCER, FAMILIAL. Identifiers: Orphanet 227535, MedGen C0346153, MONDO:0016419, OMIM 114480. Disease mechanism: loss of function.

gnomAD v4.1: 1 of 1,614,110 alleles (0.000062%); highest among the groups gnomAD compares: South Asian, 0.0011%; no homozygotes.

Submissions (3):

Myriad Genetics, Inc.
Classification: Benign for Familial cancer of breast. Last evaluated: 2025-01-15. Review status: criteria provided, single submitter. Criteria: Myriad Autosomal Dominant, Autosomal Recessive and X-Linked Classification Criteria (2023). Collection method: clinical testing. Allele origin: unknown.
Comment: This variant is considered benign. This variant is a silent/synonymous amino acid change and it is not expected to impact splicing.

Labcorp Genetics (formerly Invitae), Labcorp
Classification: Likely benign for Familial cancer of breast. Last evaluated: 2024-03-06. Review status: criteria provided, single submitter. Criteria: Invitae Variant Classification Sherloc (09022015). Collection method: clinical testing. Allele origin: germline.

Color Diagnostics, LLC DBA Color Health
Classification: Likely benign for Hereditary cancer-predisposing syndrome. Last evaluated: 2022-01-31. Review status: criteria provided, single submitter. Criteria: ACMG Guidelines, 2015. Collection method: clinical testing. Allele origin: germline.